The following is an entry in ClinVar:

ClinVar aggregate classification (germline): Conflicting classifications of pathogenicity. Review status: criteria provided, conflicting classifications (1 of 4 stars). 5 submissions from 5 submitters: Likely pathogenic (1); Uncertain significance (4). Last evaluated 2026-03-13.

Conditions:
Aneurysm-osteoarthritis syndrome. Also called: ANEURYSMS-OSTEOARTHRITIS SYNDROME; LOEYS-DIETZ SYNDROME WITH OSTEOARTHRITIS; SMAD3-Related Loeys-Dietz Syndrome; Loeys-Dietz syndrome, type 1C. Identifiers: Orphanet 284984, MedGen C3151087, MONDO:0013426, OMIM 613795.
Familial thoracic aortic aneurysm and aortic dissection (TAAD). Also called: Thoracic aortic aneurysms and dissections. Identifiers: Orphanet 91387, MedGen C4707243, MONDO:0019625.

Allele frequency attached by ClinVar (database versions not stated): gnomAD exomes 0.00001 and 0.00002; gnomAD 0.00001; TOPMed below 0.00001; ExAC 0.00003.
gnomAD v4.1: 18 of 1,614,058 alleles (0.0011%); highest among the groups gnomAD compares: Admixed American, 0.0033%; no homozygotes.

Submissions (5):

Laboratorio de Genetica e Diagnostico Molecular, Hospital Israelita Albert Einstein
Classification: Uncertain significance for Aneurysm-osteoarthritis syndrome. Last evaluated: 2026-03-13. Review status: criteria provided, single submitter. Criteria: ACMG Guidelines, 2015. Collection method: clinical testing. Allele origin: germline. Affected: yes.
Comment: ACMG classification criteria: PM2 supporting, PP2 supporting, PP3 supporting

Labcorp Genetics (formerly Invitae), Labcorp
Classification: Likely pathogenic for Familial thoracic aortic aneurysm and aortic dissection. Last evaluated: 2025-07-30. Review status: criteria provided, single submitter. Criteria: Invitae Variant Classification Sherloc (09022015). Collection method: clinical testing. Allele origin: germline.
Comment: This sequence change replaces valine, which is neutral and non-polar, with isoleucine, which is neutral and non-polar, at codon 377 of the SMAD3 protein (p.Val377Ile). This variant is present in population databases (rs730880216, gnomAD 0.009%). This missense change has been observed in individuals with clinical features of SMAD3-related conditions (internal data). ClinVar contains an entry for this variant (Variation ID: 180526). Invitae Evidence Modeling incorporating data from in vitro experimental studies (internal data) indicates that this missense variant is not expected to disrupt SMAD3 function with a negative predictive value of 95%. In summary, the currently available evidence indicates that the variant is pathogenic, but additional data are needed to prove that conclusively. Therefore, this variant has been classified as Likely Pathogenic.

Color Diagnostics, LLC DBA Color Health
Classification: Uncertain significance for Familial thoracic aortic aneurysm and aortic dissection. Last evaluated: 2025-07-29. Review status: criteria provided, single submitter. Criteria: ACMG Guidelines, 2015. Collection method: clinical testing. Allele origin: germline.
Comment: This missense variant replaces valine with isoleucine at codon 377 of the SMAD3 protein. Computational prediction suggests that this variant may have a deleterious impact on protein structure and function. To our knowledge, functional studies have not been reported for this variant. This variant has not been reported in individuals affected with SMAD3-related disorders in the literature. This variant has been identified in 6/251488 chromosomes in the general population by the Genome Aggregation Database (gnomAD). The available evidence is insufficient to determine the role of this variant in disease conclusively. Therefore, this variant is classified as a Variant of Uncertain Significance.

Ambry Genetics
Classification: Uncertain significance for Familial thoracic aortic aneurysm and aortic dissection. Last evaluated: 2025-07-10. Review status: criteria provided, single submitter. Criteria: Ambry Variant Classification Scheme 2023. Collection method: clinical testing. Allele origin: germline.
Comment: The p.V377I variant (also known as c.1129G>A), located in coding exon 8 of the SMAD3 gene, results from a G to A substitution at nucleotide position 1129. The valine at codon 377 is replaced by isoleucine, an amino acid with highly similar properties. This variant was reported in individual(s) with features consistent with Loeys-Dietz syndrome (Ambry internal data). This amino acid position is highly conserved in available vertebrate species. In addition, this alteration is predicted to be deleterious by in silico analysis. Based on the available evidence, the clinical significance of this variant remains unclear.

All of Us Research Program, National Institutes of Health
Classification: Uncertain significance for Aneurysm-osteoarthritis syndrome. Last evaluated: 2023-11-30. Review status: criteria provided, single submitter. Criteria: ACMG Guidelines, 2015. Collection method: clinical testing. Allele origin: germline. Inheritance: Autosomal dominant inheritance. Observed: 3 variant alleles, 3 heterozygotes.
Comment: This missense variant replaces valine with isoleucine at codon 377 of the SMAD3 protein. Computational prediction tools and conservation analyses suggest that this variant may have deleterious impact on the protein function. Computational splicing tools suggest that this variant may not impact RNA splicing. To our knowledge, functional assays have not been performed for this variant nor has this variant been reported in individuals affected with cardiovascular disorders in the literature. This variant has been identified in 6/251488 chromosomes in the general population by the Genome Aggregation Database (gnomAD). Available evidence is insufficient to determine the role of this variant in disease conclusively. Therefore, this variant is classified as a Variant of Uncertain Significance.

This study involves interpretation of variants in research participants for the purpose of population health screening. Participant phenotype was not available at the time of variant classification. Additional details can be found in publication PMID: 35346344, PMCID: PMC8962531

NM_005902.4(SMAD3):c.1129G>A (p.Val377Ile)

Gene: SMAD3 (SMAD family member 3; plus strand). Cytogenetic location: 15q22.33.
Variant type: single nucleotide variant.
Coding change: c.1129G>A on transcript NM_005902.4 (MANE Select); coding-DNA position 1129, G replaced by A.
Protein change: p.Val377Ile; replaces valine 377 with isoleucine.
Molecular consequence: missense variant.
Genome position (GRCh38, 1-based): chr15:67,187,484, G>A. VCF-style: chr15-67187484-G-A. GRCh37 (hg19) VCF-style: chr15-67479822-G-A.
Other names: c.814G>A, p.Val272Ile (NM_001145102.2); c.997G>A, p.Val333Ile (NM_001145103.2); c.544G>A, p.Val182Ile (NM_001145104.2); short protein forms V377I, V182I, V272I, V333I.
Identifiers: ClinVar variation 180526 (VCV000180526.13), dbSNP rs730880216, ClinGen allele CA020043.